The following is an entry in ClinVar:

NM_001356.5(DDX3X):c.1737_1741del (p.His579fs)

Gene: DDX3X (DEAD-box helicase 3 X-linked; plus strand). Cytogenetic location: Xp11.4.
Variant type: Deletion.
Coding change: c.1737_1741del on transcript NM_001356.5 (MANE Select); coding-DNA positions 1737 to 1741, 5 bases deleted (CTACA; older notation c.1737_1741delCTACA).
Protein change: p.His579fs; shifts the reading frame from histidine 579.
Molecular consequence: frameshift variant. On other transcripts: non-coding transcript variant (1).
Genome position (GRCh38, 1-based): chrX:41,346,980-41,346,984, CTACA deleted; deleting any 5 consecutive bases within chrX:41,346,978-41,346,984 gives the same sequence; the c. name uses the placement nearest the transcript's 3' end. VCF-style (leftmost placement, unchanged base first): chrX-41346977-CCACTA-C. GRCh37 (hg19) VCF-style: chrX-41206230-CCACTA-C.
Other names: c.1737_1741del, p.His579fs (NM_001193416.3); c.1689_1693del, p.His563fs (NM_001193417.3); c.1179_1183del, p.His393fs (NM_001363819.1); short protein forms H393fs, H563fs, H579fs.
Identifiers: ClinVar variation 4086166 (VCV004086166.1).

ClinVar aggregate classification (germline): Likely pathogenic (1 of 4 stars; one submission).

Conditions:
Intellectual disability, X-linked 102 (MRXSSB). Also called: Intellectual developmental disorder, X-linked syndromic, Snijders Blok type. Identifiers: Orphanet 457260, MedGen C5393299, MONDO:0010497, OMIM 300958.

Submission:

Neuberg Centre For Genomic Medicine, NCGM
Classification: Likely pathogenic for Intellectual disability, X-linked 102. Review status: criteria provided, single submitter. Criteria: ACMG Guidelines, 2015. Collection method: clinical testing. Allele origin: germline. Affected: yes.
Comment: This variant is predicted to cause loss of normal protein function either through protein truncation or nonsense-mediated mRNA decay. Loss of function variants have been previously reported to be disease causing (Hu L, et al.,2020). For these reasons, this variant has been classified as Likely Pathogenic